The following is an entry in ClinVar:

NM_024675.4(PALB2):c.2461A>T (p.Asn821Tyr)

Gene: PALB2 (partner and localizer of BRCA2; minus strand). Cytogenetic location: 16p12.2.
Variant type: single nucleotide variant.
Coding change: c.2461A>T on transcript NM_024675.4 (MANE Select); coding-DNA position 2461, A replaced by T.
Protein change: p.Asn821Tyr; replaces asparagine 821 with tyrosine.
Molecular consequence: missense variant.
Genome position (GRCh38, 1-based): chr16:23,629,693, T>A on the plus strand (A>T on the coding strand, the complement: PALB2 is on the minus strand). VCF-style: chr16-23629693-T-A. GRCh37 (hg19) VCF-style: chr16-23641014-T-A.
Other names: short protein forms N821Y.
Identifiers: ClinVar variation 480228 (VCV000480228.26), dbSNP rs958566673, ClinGen allele CA279492004.

ClinVar aggregate classification (germline): Conflicting classifications of pathogenicity. Review status: criteria provided, conflicting classifications (1 of 4 stars). 8 submissions from 8 submitters: Uncertain significance (6); Likely benign (1). 1 of the submissions does not count toward it. Last evaluated 2025-12-24.

Conditions:
Hereditary cancer-predisposing syndrome. Also called: Hereditary Cancer Syndrome; Neoplastic Syndromes, Hereditary; Tumor predisposition; Hereditary neoplastic syndrome. Identifiers: Orphanet 140162, MedGen C0027672, MeSH D009386, MONDO:0015356.
Familial cancer of breast. Also called: BREAST CANCER, FAMILIAL; Hereditary breast cancer; hereditary breast carcinoma. Identifiers: Orphanet 227535, MedGen C0346153, MONDO:0016419, OMIM 114480. Disease mechanism: loss of function.

Allele frequency attached by ClinVar (database versions not stated): gnomAD exomes below 0.00001; TOPMed below 0.00001.
gnomAD v4.1: 2 of 1,614,220 alleles (0.00012%); no homozygotes.

Submissions (8):

Women's Health and Genetics/Laboratory Corporation of America, LabCorp
Classification: Uncertain significance. Last evaluated: 2025-12-24. Review status: criteria provided, single submitter. Criteria: LabCorp Variant Classification Summary - May 2015. Collection method: clinical testing. Allele origin: germline.
Comment: Variant summary: PALB2 c.2461A>T (p.Asn821Tyr) results in a non-conservative amino acid change in the encoded protein sequence. Algorithms developed to predict the effect of missense changes on protein structure and function are either unavailable or do not agree on the potential impact of this missense change. The variant allele was found at a frequency of 4e-06 in 251472 control chromosomes. The available data on variant occurrences in the general population are insufficient to allow any conclusion about variant significance. c.2461A>T has been observed in individual(s) affected with Hereditary Breast And Ovarian Cancer Syndrome. These report(s) do not provide unequivocal conclusions about association of the variant with Hereditary Breast And Ovarian Cancer Syndrome. At least one publication reports experimental evidence evaluating an impact on protein function. These results showed no damaging effect of this variant (Brnich_2021). The following publications have been ascertained in the context of this evaluation (PMID: 29785153, 31159747, 33964450, 33471991, 36980780). ClinVar contains an entry for this variant (Variation ID: 480228). Based on the evidence outlined above, the variant was classified as uncertain significance.

Labcorp Genetics (formerly Invitae), Labcorp
Classification: Uncertain significance for Familial cancer of breast. Last evaluated: 2025-10-23. Review status: criteria provided, single submitter. Criteria: Invitae Variant Classification Sherloc (09022015). Collection method: clinical testing. Allele origin: germline.
Comment: This sequence change replaces asparagine, which is neutral and polar, with tyrosine, which is neutral and polar, at codon 821 of the PALB2 protein (p.Asn821Tyr). This variant is present in population databases (no rsID available, gnomAD 0.01%). This missense change has been observed in individual(s) with a personal and/or family history of breast and/or ovarian cancer (PMID: 29785153, 31159747). ClinVar contains an entry for this variant (Variation ID: 480228). Invitae Evidence Modeling of protein sequence and biophysical properties (such as structural, functional, and spatial information, amino acid conservation, physicochemical variation, residue mobility, and thermodynamic stability) indicates that this missense variant is not expected to disrupt PALB2 protein function with a negative predictive value of 80%. In summary, the available evidence is currently insufficient to determine the role of this variant in disease. Therefore, it has been classified as a Variant of Uncertain Significance.

Quest Diagnostics Nichols Institute San Juan Capistrano
Classification: Uncertain significance. Last evaluated: 2025-08-21. Review status: criteria provided, single submitter. Criteria: Quest Diagnostics criteria. Collection method: clinical testing. Allele origin: unknown.
Comment: The PALB2 c.2461A>T (p.Asn821Tyr) variant has been reported in the published literature in individuals with breast cancer (PMID: 29785153 (2018), 33471991 (2021), see also LOVD), and unspecified hereditary cancer (PMID: 31159747 (2019)). A functional study demonstrated that this variant had an inconclusive effect on protein function, showing no impact on DNA repair activity (PMID: 33964450 (2021)). The frequency of this variant in the general population (Genome Aggregation Database) is uninformative in the assessment of its pathogenicity. Analysis of this variant using bioinformatics tools for the prediction of the effect of amino acid changes on protein structure and function yielded conflicting predictions that this variant is benign or damaging. Based on the available information, we are unable to determine the clinical significance of this variant.

Ambry Genetics
Classification: Likely benign for Hereditary cancer-predisposing syndrome. Last evaluated: 2025-05-21. Review status: criteria provided, single submitter. Criteria: Ambry Variant Classification Scheme 2023. Collection method: clinical testing. Allele origin: germline.

Baylor Genetics
Classification: Uncertain significance for Familial cancer of breast. Last evaluated: 2023-07-07. Review status: criteria provided, single submitter. Criteria: ACMG Guidelines, 2015. Collection method: clinical testing. Allele origin: unknown.

Color Diagnostics, LLC DBA Color Health
Classification: Uncertain significance for Hereditary cancer-predisposing syndrome. Last evaluated: 2022-06-22. Review status: criteria provided, single submitter. Criteria: ACMG Guidelines, 2015. Collection method: clinical testing. Allele origin: germline.
Comment: This missense variant replaces asparagine with tyrosine at codon 821 of the PALB2 protein. Computational prediction suggests that this variant may not impact protein structure and function (internally defined REVEL score threshold <= 0.5, PMID: 27666373). A functional study has reported that this variant has no impact on DNA repair activity (PMID: 33964450). This variant has been reported in one individual affected with breast cancer and in a breast cancer case-control meta-analysis in 1/60466 cases and 0/53461 unaffected individuals (PMID: 29785153, 33471991; Leiden Open Variation Database DB-ID PALB2_010894). This variant has been identified in 1/251472 chromosomes in the general population by the Genome Aggregation Database (gnomAD). The available evidence is insufficient to determine the role of this variant in disease conclusively. Therefore, this variant is classified as a Variant of Uncertain Significance.

GeneKor MSA
Classification: Uncertain significance for Hereditary cancer-predisposing syndrome. Last evaluated: 2018-08-01. Review status: criteria provided, single submitter. Criteria: ACMG Guidelines, 2015. Collection method: clinical testing. Allele origin: germline. Affected: yes.

Genetic Services Laboratory, University of Chicago
Classification: Uncertain significance. Last evaluated: 2022-05-05. Review status: no assertion criteria provided. Collection method: clinical testing. Allele origin: germline. Affected: no. Not counted in ClinVar's aggregate classification.
Comment: DNA sequence analysis of the PALB2 gene demonstrated a sequence change, c.2461A>T, in exon 5 that results in an amino acid change, p.Asn821Tyr. This sequence change has been described in the gnomAD database in one individual which corresponds to a population frequency of 0.00040% (dbSNP rs958566673). The p.Asn821Tyr change affects a moderately conserved amino acid residue located in a domain of the PALB2 protein that is not known to be functional. In-silico pathogenicity prediction tools (SIFT, PolyPhen2, Align GVGD, REVEL) provide contradictory results for the p.Asn821Tyr substitution. An experimental study demonstrate that this sequence change may lead reduced PALB2 activity compared to wild type (PMID: 33964450). This sequence change has been previously described in an individual with breast cancer and in an individual with a personal or family history of breast and/or ovarian cancer (PMID: 29785153, 31159747). Due to insufficient evidences, the clinical significance of the p.Asn821Tyr change remains unknown at this time.

Literature cited by the submitters: PubMed 29785153 (cited by 5 submitters); PubMed 31159747 (cited by 3 submitters); PubMed 33471991 (cited by 3 submitters); PubMed 33964450 (cited by 4 submitters); PubMed 36980780 (cited by Women's Health and Genetics/Laboratory Corporation of America, LabCorp); PubMed 32832836 (cited by Ambry Genetics).